The following is an entry in ClinVar:

NM_021267.5(CERS1):c.37C>T (p.Pro13Ser)

Genes: CERS1 (ceramide synthase 1; minus strand), GDF1 (growth differentiation factor 1; minus strand). Cytogenetic location: 19p13.11.
Variant type: single nucleotide variant.
Coding change: c.37C>T on transcript NM_021267.5 (MANE Select); coding-DNA position 37, C replaced by T.
Protein change: p.Pro13Ser; replaces proline 13 with serine.
Molecular consequence: missense variant. On other transcripts: 5 prime UTR variant (4), intron variant (3).
Genome position (GRCh38, 1-based): chr19:18,896,036, G>A on the plus strand (C>T on the coding strand, the complement: CERS1 is on the minus strand). VCF-style: chr19-18896036-G-A. GRCh37 (hg19) VCF-style: chr19-19006845-G-A.
Other names: c.37C>T, p.Pro13Ser (NM_001387439.1, NM_001387440.1, NM_001387441.1 and 1 more transcripts); c.-492C>T (NM_001387444.1); c.-439C>T (NM_001387445.1); c.-866C>T (NM_001387438.1); c.-1286C>T (NM_001492.6); c.-46+690C>T (NM_001387443.1); c.-46+525C>T (NM_001387442.1, NM_001290265.2); short protein forms P13S.
Identifiers: ClinVar variation 475369 (VCV000475369.10), dbSNP rs868136098, ClinGen allele CA306258914.

ClinVar aggregate classification (germline): Uncertain significance. Review status: criteria provided, multiple submitters, no conflicts (2 of 4 stars). 4 submissions from 4 submitters: Uncertain significance (3). 1 of the submissions does not count toward it. Last evaluated 2024-03-26.

Conditions:
CERS1-related disorder. Also called: CERS1-related condition.
Progressive myoclonic epilepsy type 8. Identifiers: Orphanet 424027, MedGen C5190825, MONDO:0014545, OMIM 616230.

Allele frequency attached by ClinVar (database versions not stated): gnomAD exomes 0.00010; gnomAD 0.00070; TOPMed 0.00080.
gnomAD v4.1: 211 of 989,926 alleles (0.021%); highest among the groups gnomAD compares: African/African-American, 0.3%; no homozygotes.

Submissions (4):

Genomic Medicine Center of Excellence, King Faisal Specialist Hospital and Research Centre
Classification: Uncertain significance for Progressive myoclonic epilepsy type 8. Last evaluated: 2024-03-26. Review status: criteria provided, single submitter. Criteria: ACMG Guidelines, 2015. Collection method: clinical testing. Allele origin: germline.

Ambry Genetics
Classification: Uncertain significance. Last evaluated: 2023-12-12. Review status: criteria provided, single submitter. Criteria: Ambry Variant Classification Scheme 2023. Collection method: clinical testing. Allele origin: germline.

Labcorp Genetics (formerly Invitae), Labcorp
Classification: Uncertain significance for Progressive myoclonic epilepsy type 8. Last evaluated: 2022-08-22. Review status: criteria provided, single submitter. Criteria: Invitae Variant Classification Sherloc (09022015). Collection method: clinical testing. Allele origin: germline.
Comment: This sequence change replaces proline, which is neutral and non-polar, with serine, which is neutral and polar, at codon 13 of the CERS1 protein (p.Pro13Ser). This variant is present in population databases (no rsID available, gnomAD 0.2%), and has an allele count higher than expected for a pathogenic variant. This variant has not been reported in the literature in individuals affected with CERS1-related conditions. ClinVar contains an entry for this variant (Variation ID: 475369). Algorithms developed to predict the effect of missense changes on protein structure and function are either unavailable or do not agree on the potential impact of this missense change (SIFT: "Deleterious"; PolyPhen-2: "Not Available"; Align-GVGD: "Class C0"). In summary, the available evidence is currently insufficient to determine the role of this variant in disease. Therefore, it has been classified as a Variant of Uncertain Significance.

PreventionGenetics, part of Exact Sciences
Classification: Likely benign for CERS1-related condition. Last evaluated: 2023-11-28. Review status: no assertion criteria provided. Collection method: clinical testing. Allele origin: germline. Not counted in ClinVar's aggregate classification.
Comment: This variant is classified as likely benign based on ACMG/AMP sequence variant interpretation guidelines (Richards et al. 2015 PMID: 25741868, with internal and published modifications).